The following is an entry in ClinVar:

ClinVar aggregate classification (germline): Likely benign. Review status: criteria provided, multiple submitters, no conflicts (2 of 4 stars). 2 submissions from 2 submitters: Likely benign (2). Last evaluated 2025-02-11.

Conditions:
Colorectal cancer, susceptibility to, 12 (CRCS12). Also called: COLORECTAL CANCER, SUSCEPTIBILITY TO, ON CHROMOSOME 12q24. Identifiers: Orphanet 220460, MedGen C3554460, MONDO:0014038, OMIM 615083.

Allele frequency attached by ClinVar (database versions not stated): TOPMed below 0.00001.

Submissions (2):

Myriad Genetics, Inc.
Classification: Likely benign for Colorectal cancer, susceptibility to, 12. Last evaluated: 2025-02-11. Review status: criteria provided, single submitter. Criteria: Myriad Autosomal Dominant, Autosomal Recessive and X-Linked Classification Criteria (2023). Collection method: clinical testing. Allele origin: unknown.
Comment: This variant is considered likely benign. This variant is intronic and is not expected to impact mRNA splicing.

Labcorp Genetics (formerly Invitae), Labcorp
Classification: Likely benign. Last evaluated: 2023-12-17. Review status: criteria provided, single submitter. Criteria: Invitae Variant Classification Sherloc (09022015). Collection method: clinical testing. Allele origin: germline.

NM_006231.4(POLE):c.1360-18C>T

Gene: POLE (DNA polymerase epsilon, catalytic subunit; minus strand). Cytogenetic location: 12q24.33.
Variant type: single nucleotide variant.
Coding change: c.1360-18C>T on transcript NM_006231.4 (MANE Select); 18 bases into the intron before coding-DNA position 1360, C replaced by T.
Molecular consequence: intron variant.
Genome position (GRCh38, 1-based): chr12:132,673,295, G>A on the plus strand (C>T on the coding strand, the complement: POLE is on the minus strand). VCF-style: chr12-132673295-G-A. GRCh37 (hg19) VCF-style: chr12-133249881-G-A.
Identifiers: ClinVar variation 2076176 (VCV002076176.5), dbSNP rs2042973525, ClinGen allele CA2073001687.